The following is an entry in ClinVar:

ClinVar aggregate classification (germline): Uncertain significance (1 of 4 stars; one submission).

Allele frequency attached by ClinVar (database versions not stated): gnomAD exomes below 0.00001 and 0.00001; TOPMed below 0.00001; ExAC 0.00001.
gnomAD v4.1: 2 of 1,613,268 alleles (0.00012%); highest among the groups gnomAD compares: South Asian, 0.0022%; no homozygotes.

Submission:

Labcorp Genetics (formerly Invitae), Labcorp
Classification: Uncertain significance. Last evaluated: 2025-04-14. Review status: criteria provided, single submitter. Criteria: Invitae Variant Classification Sherloc (09022015). Collection method: clinical testing. Allele origin: germline.
Comment: This sequence change replaces glycine, which is neutral and non-polar, with glutamic acid, which is acidic and polar, at codon 515 of the VAV1 protein (p.Gly515Glu). This variant is present in population databases (rs764184305, gnomAD 0.003%). This variant has not been reported in the literature in individuals affected with VAV1-related conditions. ClinVar contains an entry for this variant (Variation ID: 1483941). An algorithm developed to predict the effect of missense changes on protein structure and function (PolyPhen-2) suggests that this variant is likely to be disruptive. In summary, the available evidence is currently insufficient to determine the role of this variant in disease. Therefore, it has been classified as a Variant of Uncertain Significance.

NM_005428.4(VAV1):c.1544G>A (p.Gly515Glu)

Gene: VAV1 (vav guanine nucleotide exchange factor 1; plus strand). Cytogenetic location: 19p13.3.
Variant type: single nucleotide variant.
Coding change: c.1544G>A on transcript NM_005428.4 (MANE Select); coding-DNA position 1544, G replaced by A.
Protein change: p.Gly515Glu; replaces glycine 515 with glutamic acid.
Molecular consequence: missense variant.
Genome position (GRCh38, 1-based): chr19:6,833,219, G>A. VCF-style: chr19-6833219-G-A. GRCh37 (hg19) VCF-style: chr19-6833230-G-A.
Other names: c.1544G>A, p.Gly515Glu (NM_001258206.2); c.1448G>A, p.Gly483Glu (NM_001258207.2); short protein forms G483E, G515E.
Identifiers: ClinVar variation 1483941 (VCV001483941.8), dbSNP rs764184305, ClinGen allele CA9132629.
Genomic context (GRCh38, chr19:6,833,219, plus strand): 5'-TTTTTTTTTAATTTTCCCCTGCCAGCTCCAACATCTATCCGGAGAATGCCACCGCCAACG[G>A]GCATGACTTCCAGATGTTCTCCTTTGAGGAGACCACATCCTGCAAGGCCTGTCAGATGCT-3'
Protein context (NP_005419.2, residues 505-525): NIYPENATAN[Gly515Glu]HDFQMFSFEE